The following is an entry in ClinVar:

NM_001365536.1(SCN9A):c.523G>A (p.Gly175Ser)

Gene: SCN9A (sodium voltage-gated channel alpha subunit 9; minus strand). Cytogenetic location: 2q24.3.
Variant type: single nucleotide variant.
Coding change: c.523G>A on transcript NM_001365536.1 (MANE Select); coding-DNA position 523, G replaced by A.
Protein change: p.Gly175Ser; replaces glycine 175 with serine.
Molecular consequence: missense variant.
Genome position (GRCh38, 1-based): chr2:166,305,865, C>T on the plus strand (G>A on the coding strand, the complement: SCN9A is on the minus strand). VCF-style: chr2-166305865-C-T. GRCh37 (hg19) VCF-style: chr2-167162375-C-T.
Other names: c.523G>A, p.Gly175Ser (NM_002977.4); short protein forms G175S.
Identifiers: ClinVar variation 2941253 (VCV002941253.3), dbSNP rs1213397059, ClinGen allele CA349095164.

ClinVar aggregate classification (germline): Uncertain significance (1 of 4 stars; one submission).

Conditions:
Neuropathy, hereditary sensory and autonomic, type 2A (HSAN2A). Also called: ACROOSTEOLYSIS, GIACCAI TYPE; ACROOSTEOLYSIS, NEUROGENIC; MORVAN DISEASE; NEUROPATHY, CONGENITAL SENSORY; NEUROPATHY, HEREDITARY SENSORY RADICULAR, AUTOSOMAL RECESSIVE; NEUROPATHY, HEREDITARY SENSORY, TYPE IIA. Identifiers: Orphanet 970, MedGen C2752089, MONDO:0024309, OMIM 201300.
Generalized epilepsy with febrile seizures plus, type 7 (GEFSP7). Also called: GEFS+, TYPE 7. Identifiers: Orphanet 36387, MedGen C2751778, MONDO:0013470, OMIM 613863.

Allele frequency attached by ClinVar (database versions not stated): gnomAD exomes 0.00001.
gnomAD v4.1: 3 of 1,613,318 alleles (0.00019%); highest among the groups gnomAD compares: Admixed American, 0.0017%; no homozygotes.

Submission:

Labcorp Genetics (formerly Invitae), Labcorp
Classification: Uncertain significance for Neuropathy, hereditary sensory and autonomic, type 2A; Generalized epilepsy with febrile seizures plus, type 7. Last evaluated: 2022-12-08. Review status: criteria provided, single submitter. Criteria: Invitae Variant Classification Sherloc (09022015). Collection method: clinical testing. Allele origin: germline.
Comment: The frequency data for this variant in the population databases is considered unreliable, as metrics indicate poor data quality at this position in the gnomAD database. In summary, the available evidence is currently insufficient to determine the role of this variant in disease. Therefore, it has been classified as a Variant of Uncertain Significance. Advanced modeling of protein sequence and biophysical properties (such as structural, functional, and spatial information, amino acid conservation, physicochemical variation, residue mobility, and thermodynamic stability) has been performed at Invitae for this missense variant, however the output from this modeling did not meet the statistical confidence thresholds required to predict the impact of this variant on SCN9A protein function. This variant has not been reported in the literature in individuals affected with SCN9A-related conditions. This sequence change replaces glycine, which is neutral and non-polar, with serine, which is neutral and polar, at codon 175 of the SCN9A protein (p.Gly175Ser).